The following is an entry in ClinVar:

ClinVar aggregate classification (germline): Uncertain significance (1 of 4 stars; one submission).

Submission:

Women's Health and Genetics/Laboratory Corporation of America, LabCorp
Classification: Uncertain significance. Last evaluated: 2025-01-06. Review status: criteria provided, single submitter. Criteria: LabCorp Variant Classification Summary - May 2015. Collection method: clinical testing. Allele origin: germline.
Comment: Variant summary: TBXAS1 c.1415T>G (p.Phe472Cys) results in a non-conservative amino acid change in the encoded protein sequence. Five of five in-silico tools predict a damaging effect of the variant on protein function. The variant was absent in 249470 control chromosomes. The available data on variant occurrences in the general population are insufficient to allow any conclusion about variant significance. To our knowledge, no occurrence of c.1415T>G in individuals affected with Ghosal Hematodiaphyseal Dysplasia and no experimental evidence demonstrating its impact on protein function have been reported. No submitters have cited clinical-significance assessments for this variant to ClinVar. Based on the evidence outlined above, the variant was classified as uncertain significance.

NM_001061.7(TBXAS1):c.1415T>G (p.Phe472Cys)

Gene: TBXAS1 (thromboxane A synthase 1; plus strand). Cytogenetic location: 7q34.
Variant type: single nucleotide variant.
Coding change: c.1415T>G on transcript NM_001061.7 (MANE Select); coding-DNA position 1415, T replaced by G.
Protein change: p.Phe472Cys; replaces phenylalanine 472 with cysteine.
Molecular consequence: missense variant. On other transcripts: intron variant (1).
Genome position (GRCh38, 1-based): chr7:140,017,721, T>G. VCF-style: chr7-140017721-T-G. GRCh37 (hg19) VCF-style: chr7-139717521-T-G.
Other names: c.1415T>G, p.Phe472Cys (NM_001130966.5); c.1553T>G, p.Phe518Cys (NM_001166253.4); c.1214T>G, p.Phe405Cys (NM_001166254.4); c.1358T>G, p.Phe453Cys (NM_001314028.4); c.1232T>G, p.Phe411Cys (NM_001366537.3); c.1364+1861T>G (NM_030984.6); short protein forms F405C, F411C, F453C, F472C, F473C, F518C, F519C.
Identifiers: ClinVar variation 3769253 (VCV003769253.2).